The following is an entry in ClinVar:

ClinVar aggregate classification (germline): Uncertain significance. Review status: criteria provided, multiple submitters, no conflicts (2 of 4 stars). 2 submissions from 2 submitters: Uncertain significance (2). Last evaluated 2025-05-09.

Conditions:
Inborn genetic diseases. Identifiers: MedGen C0950123, MeSH D030342.
Baller-Gerold syndrome (BGS). Also called: CRANIOSYNOSTOSIS WITH RADIAL DEFECTS. Identifiers: Orphanet 1225, MedGen C0265308, MONDO:0009039, OMIM 218600.

Allele frequency attached by ClinVar (database versions not stated): gnomAD exomes below 0.00001; gnomAD 0.00001; TOPMed 0.00001.
gnomAD v4.1: 3 of 1,613,230 alleles (0.00019%); highest among the groups gnomAD compares: Non-Finnish European, 0.00025%; no homozygotes.

Submissions (2):

Ambry Genetics
Classification: Uncertain significance for Inborn genetic diseases. Last evaluated: 2025-05-09. Review status: criteria provided, single submitter. Criteria: Ambry Variant Classification Scheme 2023. Collection method: clinical testing. Allele origin: germline.
Comment: The p.S315A variant (also known as c.943T>G), located in coding exon 5 of the RECQL4 gene, results from a T to G substitution at nucleotide position 943. The serine at codon 315 is replaced by alanine, an amino acid with similar properties. This amino acid position is conserved. In addition, this alteration is predicted to be tolerated by in silico analysis. Based on the available evidence, the clinical significance of this variant remains unclear.

Labcorp Genetics (formerly Invitae), Labcorp
Classification: Uncertain significance for Baller-Gerold syndrome. Last evaluated: 2023-12-26. Review status: criteria provided, single submitter. Criteria: Invitae Variant Classification Sherloc (09022015). Collection method: clinical testing. Allele origin: germline.
Comment: This sequence change replaces serine, which is neutral and polar, with alanine, which is neutral and non-polar, at codon 315 of the RECQL4 protein (p.Ser315Ala). This variant is present in population databases (no rsID available, gnomAD 0.0009%). This variant has not been reported in the literature in individuals affected with RECQL4-related conditions. ClinVar contains an entry for this variant (Variation ID: 1045047). Experimental studies and prediction algorithms are not available or were not evaluated, and the functional significance of this variant is currently unknown. In summary, the available evidence is currently insufficient to determine the role of this variant in disease. Therefore, it has been classified as a Variant of Uncertain Significance.

NM_004260.4(RECQL4):c.943T>G (p.Ser315Ala)

Gene: RECQL4 (RecQ like helicase 4; minus strand). Cytogenetic location: 8q24.3.
Variant type: single nucleotide variant.
Coding change: c.943T>G on transcript NM_004260.4 (MANE Select); coding-DNA position 943, T replaced by G.
Protein change: p.Ser315Ala; replaces serine 315 with alanine.
Molecular consequence: missense variant.
Genome position (GRCh38, 1-based): chr8:144,516,176, A>C on the plus strand (T>G on the coding strand, the complement: RECQL4 is on the minus strand). VCF-style: chr8-144516176-A-C. GRCh37 (hg19) VCF-style: chr8-145741560-A-C.
Other names: c.943T>G (NM_004260.3); short protein forms S315A.
Identifiers: ClinVar variation 1045047 (VCV001045047.4), dbSNP rs1172316141, ClinGen allele CA372688599.